The following is an entry in ClinVar:

ClinVar aggregate classification (germline): Pathogenic. Review status: criteria provided, multiple submitters, no conflicts (2 of 4 stars). 4 submissions from 4 submitters: Pathogenic (4). Last evaluated 2025-07-09.

Conditions:
Cardiomyopathy (CMYO). Also called: Cardiomyopathies. Identifiers: Orphanet 167848, MedGen C0878544, MONDO:0004994, HP:0001638. Inheritance: Various modes of inheritance.
Hypertrophic cardiomyopathy. Also called: HYPERTROPHIC MYOCARDIOPATHY. Identifiers: Orphanet 217569, MedGen C0007194, MeSH D002312, MONDO:0005045, HP:0001639.

Submissions (4):

Color Diagnostics, LLC DBA Color Health
Classification: Pathogenic for Cardiomyopathy. Last evaluated: 2025-07-09. Review status: criteria provided, single submitter. Criteria: ACMG Guidelines, 2015. Collection method: clinical testing. Allele origin: germline.
Comment: This variant deletes 1 nucleotide in exon 25 of the MYBPC3 gene, creating a frameshift and premature translation stop signal. This variant is expected to result in an absent or non-functional protein product. This variant has been reported in individuals affected with hypertrophic cardiomyopathy (PMID: 12707239, 24793961, 26914223). This variant has not been identified in the general population by the Genome Aggregation Database (gnomAD). Loss of MYBPC3 function is a known mechanism of disease. Based on the available evidence, this variant is classified as Pathogenic.

Labcorp Genetics (formerly Invitae), Labcorp
Classification: Pathogenic for Hypertrophic cardiomyopathy. Last evaluated: 2024-07-30. Review status: criteria provided, single submitter. Criteria: Invitae Variant Classification Sherloc (09022015). Collection method: clinical testing. Allele origin: germline.
Comment: This sequence change creates a premature translational stop signal (p.Ile852Metfs*27) in the MYBPC3 gene. It is expected to result in an absent or disrupted protein product. Loss-of-function variants in MYBPC3 are known to be pathogenic (PMID: 19574547). This variant is not present in population databases (gnomAD no frequency). This premature translational stop signal has been observed in individual(s) with hypertrophic cardiomyopathy (PMID: 12707239, 26914223). This variant is also known as Del C16212. ClinVar contains an entry for this variant (Variation ID: 164071). For these reasons, this variant has been classified as Pathogenic.

Laboratory for Molecular Medicine, Mass General Brigham Personalized Medicine
Classification: Pathogenic for Hypertrophic cardiomyopathy. Last evaluated: 2013-05-16. Review status: criteria provided, single submitter. Criteria: LMM Criteria. Collection method: clinical testing. Allele origin: germline. Inheritance: Autosomal dominant inheritance. Observed: 1 variant allele.
Comment: The Ile852fs variant in MYBPC3 has been reported in 1 individual with HCM (Richa rds 2003). This frameshift variant is predicted to alter the protein?s amino aci d sequence beginning at position 852 and lead to a premature termination codon 2 7 amino acids downstream. This alteration is then predicted to lead to a truncat ed or absent protein. Truncating variants in MYBPC3 are established as pathogeni c for HCM. In summary, this variant meets our criteria to be classified as patho genic based on the predicted impact of the varia nt.

GeneDx
Classification: Pathogenic. Last evaluated: 2012-06-03. Review status: criteria provided, single submitter. Criteria: GeneDx Variant Classification (06012015). Collection method: clinical testing. Allele origin: germline. Affected: yes.
Comment: The c.2556delC variant in the MYBPC3 gene has been reported in association with HCM (Richard P et al., 2003). Richard et al. identified c.2556delC (reported as del C16212 using alternative nomenclature) in one patient with HCM, and the mutation was absent in 200 control chromosomes. The c.2556delC variant causes a shift in the reading frame starting at codon Isoleucine 852, changing it to a Methionine, and creates a premature stop codon at position 27 of the new reading frame. This variant is expected to result in an abnormal, truncated protein or in absence of protein from this allele due to mRNA decay. Other frameshift variants in the MYBPC3 gene have been reported in association with HCM. Therefore, c.2556delC in the MYBPC3 gene is interpreted as a pathogenic variant.

Literature cited by the submitters: PubMed 12707239 (cited by 3 submitters); PubMed 24793961 (cited by Color Diagnostics, LLC DBA Color Health); PubMed 26914223 (cited by Color Diagnostics, LLC DBA Color Health and Labcorp Genetics (formerly Invitae), Labcorp); PubMed 19574547 (cited by Labcorp Genetics (formerly Invitae), Labcorp).

NM_000256.3(MYBPC3):c.2556del (p.Ile852fs)

Gene: MYBPC3 (myosin binding protein C3; minus strand). Cytogenetic location: 11p11.2.
Variant type: Deletion.
Coding change: c.2556del on transcript NM_000256.3 (MANE Select); coding-DNA position 2556, one base deleted (C; older notation c.2556delC).
Protein change: p.Ile852fs; shifts the reading frame from isoleucine 852.
Molecular consequence: frameshift variant.
Genome position (GRCh38, 1-based): chr11:47,337,437, G deleted on the plus strand (C on the coding strand, the reverse complement: MYBPC3 is on the minus strand). VCF-style (leftmost placement, unchanged base first): chr11-47337436-CG-C. GRCh37 (hg19) VCF-style: chr11-47358987-CG-C.
Other names: c.2556del, p.Ile852fs (LRG_386t1); c.2556delC (NM_000256.3); short protein forms I852fs.
Identifiers: ClinVar variation 164071 (VCV000164071.10), dbSNP rs727503186, ClinGen allele CA012627.